The following is an entry in ClinVar:

NM_001267550.2(TTN):c.55396G>A (p.Gly18466Arg)

Genes: TTN-AS1 (TTN antisense RNA 1; plus strand), TTN (titin; minus strand). Cytogenetic location: 2q31.2.
Variant type: single nucleotide variant.
Coding change: c.55396G>A on transcript NM_001267550.2 (MANE Select); coding-DNA position 55396, G replaced by A.
Protein change: p.Gly18466Arg; replaces glycine 18466 with arginine.
Molecular consequence: missense variant.
Genome position (GRCh38, 1-based): chr2:178,601,694, C>T on the plus strand (G>A on the coding strand, the complement: TTN is on the minus strand). VCF-style: chr2-178601694-C-T. GRCh37 (hg19) VCF-style: chr2-179466421-C-T.
Other names: p.Gly16825Arg; c.47692G>A, p.Gly15898Arg (NM_133378.4); c.50473G>A, p.Gly16825Arg (NM_001256850.1); c.28201G>A, p.Gly9401Arg (NM_003319.4); c.28576G>A, p.Gly9526Arg (NM_133432.3); c.28777G>A, p.Gly9593Arg (NM_133437.4); short protein forms G15898R, G18466R, G9401R, G16825R, G9593R, G9526R.
Identifiers: ClinVar variation 191941 (VCV000191941.22), dbSNP rs772677752, ClinGen allele CA237927.
Genomic context (GRCh38, chr2:178,601,694, plus strand): 5'-AGCAACTTTCAAAGTCTTTCTTACCCATGACTTTAACTCTGCAATTTGCAGTCTTTTGTC[C>T]TGCTTTATTCTTGGCTGTGATGCTGTATTTGCCTGTATGAGATCGTTTACACTCCGGAAT-3'
Protein context (NP_001254479.2, residues 18456-18476): KYSITAKNKA[Gly18466Arg]QKTANCRVKV

ClinVar aggregate classification (germline): Conflicting classifications of pathogenicity. Review status: criteria provided, conflicting classifications (1 of 4 stars). 14 submissions from 10 submitters: Uncertain significance (10); Likely benign (4). Last evaluated 2025-12-23.

Conditions:
TTN-related disorder. Also called: TTN-related condition; TTN-related disease; TTN-related disorders.
Cardiovascular phenotype. Identifiers: MedGen CN230736.
Dilated cardiomyopathy 1G (CMD1G). Identifiers: Orphanet 154, MedGen C1858763, MONDO:0011400, OMIM 604145.
Autosomal recessive limb-girdle muscular dystrophy type 2J (LGMDR10). Also called: Limb-girdle muscular dystrophy, type 2J; MUSCULAR DYSTROPHY, LIMB-GIRDLE, AUTOSOMAL RECESSIVE 10. Identifiers: Orphanet 140922, MedGen C1837342, MONDO:0012127, OMIM 608807.
Early-onset myopathy with fatal cardiomyopathy (CMYO5). Also called: CONGENITAL MYOPATHY 5 WITH CARDIOMYOPATHY; Salih Myopathy. Identifiers: Orphanet 289377, MedGen C2673677, MONDO:0012714, OMIM 611705. Disease mechanism: loss of function.
Tibial muscular dystrophy (TMD). Also called: Udd Distal Myopathy – Tibial Muscular Dystrophy; UDD MYOPATHY; Tibial muscular dystrophy, tardive. Identifiers: Orphanet 609, MedGen C1838244, MONDO:0010870, OMIM 600334.
Myopathy, myofibrillar, 9, with early respiratory failure (MFM9). Also called: Hereditary myopathy with early respiratory failure; EDSTROM MYOPATHY; MYOPATHY, PROXIMAL, WITH EARLY RESPIRATORY MUSCLE INVOLVEMENT; Myopathy, distal, with early respiratory failure, autosomal dominant. Identifiers: Orphanet 178464, Orphanet 34521, MedGen C1863599, MONDO:0011362, OMIM 603689.

Allele frequency attached by ClinVar (database versions not stated): ExAC 0.00004; gnomAD exomes 0.00005; TOPMed 0.00005; gnomAD 0.00007 and 0.00008.
gnomAD v4.1: 85 of 1,607,278 alleles (0.0053%); highest among the groups gnomAD compares: Non-Finnish European, 0.0059%; no homozygotes.

Submissions (14):

PreventionGenetics, part of Exact Sciences
Classification: Uncertain significance for TTN-related condition. Last evaluated: 2025-12-23. Review status: criteria provided, single submitter. Criteria: ACMG Guidelines, 2015. Collection method: clinical testing. Allele origin: germline.
Comment: The TTN c.55396G>A variant is predicted to result in the amino acid substitution p.Gly18466Arg. To our knowledge, this variant has not been reported in the literature. This variant is reported in 0.030% of alleles in individuals of Ashkenazi Jewish descent in gnomAD. At this time, the clinical significance of this variant is uncertain due to the absence of conclusive functional and genetic evidence.

Blueprint Genetics
Classification: Likely benign. Last evaluated: 2024-10-30. Review status: criteria provided, single submitter. Criteria: ACMG Guidelines, 2015. Collection method: clinical testing. Allele origin: germline.

Mayo Clinic Laboratories, Mayo Clinic
Classification: Uncertain significance. Last evaluated: 2022-07-25. Review status: criteria provided, single submitter. Criteria: ACMG Guidelines, 2015. Collection method: clinical testing. Allele origin: germline. Observed: 2 variant alleles.
Comment: PP3

Revvity Omics, Revvity
Classification: Uncertain significance. Last evaluated: 2022-03-21. Review status: criteria provided, single submitter. Criteria: ACMG Guidelines, 2015. Collection method: clinical testing. Allele origin: germline.

Ambry Genetics
Classification: Likely benign for Cardiovascular phenotype. Last evaluated: 2020-05-29. Review status: criteria provided, single submitter. Criteria: Ambry Variant Classification Scheme 2023. Collection method: clinical testing. Allele origin: germline.

Illumina Laboratory Services, Illumina
Classification: Likely benign for Tibial muscular dystrophy. Last evaluated: 2018-01-13. Review status: criteria provided, single submitter. Criteria: ICSL Variant Classification Criteria 13 December 2019. Collection method: clinical testing. Allele origin: germline.
Comment: This variant was observed in the ICSL laboratory as part of a predisposition screen in an ostensibly healthy population. It had not been previously curated by ICSL or reported in the Human Gene Mutation Database (HGMD: prior to June 1st, 2018), and was therefore a candidate for classification through an automated scoring system. Utilizing variant allele frequency, disease prevalence and penetrance estimates, and inheritance mode, an automated score was calculated to assess if this variant is too frequent to cause the disease. Based on the score and internal cut-off values, a variant classified as likely benign is not then subjected to further curation. The score for this variant resulted in a classification of likely benign for this disease.

Illumina Laboratory Services, Illumina
Classification: Uncertain significance for Early-onset myopathy with fatal cardiomyopathy. Last evaluated: 2018-01-13. Review status: criteria provided, single submitter. Criteria: ICSL Variant Classification Criteria 13 December 2019. Collection method: clinical testing. Allele origin: germline.

Illumina Laboratory Services, Illumina
Classification: Likely benign for Myopathy, myofibrillar, 9, with early respiratory failure. Last evaluated: 2018-01-13. Review status: criteria provided, single submitter. Criteria: ICSL Variant Classification Criteria 13 December 2019. Collection method: clinical testing. Allele origin: germline.
Comment: the same text as in the submission from Illumina Laboratory Services, Illumina above.

Illumina Laboratory Services, Illumina
Classification: Uncertain significance for Dilated cardiomyopathy 1G. Last evaluated: 2018-01-13. Review status: criteria provided, single submitter. Criteria: ICSL Variant Classification Criteria 13 December 2019. Collection method: clinical testing. Allele origin: germline.

Illumina Laboratory Services, Illumina
Classification: Uncertain significance for Autosomal recessive limb-girdle muscular dystrophy type 2J. Last evaluated: 2018-01-13. Review status: criteria provided, single submitter. Criteria: ICSL Variant Classification Criteria 13 December 2019. Collection method: clinical testing. Allele origin: germline.

Labcorp Genetics (formerly Invitae), Labcorp
Classification: Uncertain significance for Dilated cardiomyopathy 1G; Autosomal recessive limb-girdle muscular dystrophy type 2J. Last evaluated: 2016-12-30. Review status: criteria provided, single submitter. Criteria: Invitae Variant Classification Sherloc (09022015). Collection method: clinical testing. Allele origin: germline.

Eurofins Ntd Llc (ga)
Classification: Uncertain significance. Last evaluated: 2015-09-27. Review status: criteria provided, single submitter. Criteria: EGL Classification Definitions 2015. Collection method: clinical testing. Allele origin: germline. Observed: 2 variant alleles, 2 heterozygotes.

Laboratory for Molecular Medicine, Mass General Brigham Personalized Medicine
Classification: Uncertain significance. Last evaluated: 2014-12-31. Review status: criteria provided, single submitter. Criteria: LMM Criteria. Collection method: clinical testing. Allele origin: germline. Observed: 1 variant allele.
Comment: The p.Gly15898Arg variant in TTN has not been previously reported in individuals with cardiomyopathy, but has been identified in 6/67094 of European chromosomes by the Exome Aggregation Consortium (ExAC). Thi s frequency is too low to confidently rule out a disease-causing role. Computati onal prediction tools and conservation analysis suggest that this variant may im pact the protein, though this information is not predictive enough to determine pathogenicity. In summary, the clinical significance of the p.Gly15898Arg varian t is uncertain.

Biesecker Lab/Clinical Genomics Section, National Institutes of Health
Classification: Uncertain significance. Last evaluated: 2013-06-24. Review status: criteria provided, single submitter. Criteria: Ng et al. (Circ Cardiovasc Genet. 2013). Collection method: research. Allele origin: unknown. Observed: 1 variant allele. Study: ClinSeq.
Comment: The study set was not selected for affection status in relation to any cancer. Pathogenicity categories were based on literature curation. See Pubmed ID:23861362 for details.

Medical sequencing

Literature cited by the submitters: PubMed 23861362 (cited by 3 submitters).